The following is an entry in ClinVar:

NM_016306.6(DNAJB11):c.407T>C (p.Val136Ala)

Gene: DNAJB11 (DnaJ heat shock protein family (Hsp40) member B11; plus strand). Cytogenetic location: 3q27.3.
Variant type: single nucleotide variant.
Coding change: c.407T>C on transcript NM_016306.6 (MANE Select); coding-DNA position 407, T replaced by C.
Protein change: p.Val136Ala; replaces valine 136 with alanine.
Molecular consequence: missense variant. On other transcripts: non-coding transcript variant (5), intron variant (1).
Genome position (GRCh38, 1-based): chr3:186,577,751, T>C. VCF-style: chr3-186577751-T-C. GRCh37 (hg19) VCF-style: chr3-186295540-T-C.
Other names: c.323+1814T>C (NM_001378451.1); short protein forms V136A.
Identifiers: ClinVar variation 3031564 (VCV003031564.2), dbSNP rs749748629, ClinGen allele CA2744488.

ClinVar aggregate classification (germline): Uncertain significance (0 of 4 stars; one submission).

Conditions:
DNAJB11-related disorder. Also called: DNAJB11-related condition.

Allele frequency attached by ClinVar (database versions not stated): gnomAD exomes below 0.00001; ExAC 0.00001; TOPMed 0.00001.

Submission:

PreventionGenetics, part of Exact Sciences
Classification: Uncertain significance for DNAJB11-related condition. Last evaluated: 2024-01-19. Review status: no assertion criteria provided. Collection method: clinical testing. Allele origin: germline.
Comment: The DNAJB11 c.407T>C variant is predicted to result in the amino acid substitution p.Val136Ala. To our knowledge, this variant has not been reported in the literature. This variant is reported in 0.00089% of alleles in individuals of European (Non-Finnish) descent in gnomAD. At this time, the clinical significance of this variant is uncertain due to the absence of conclusive functional and genetic evidence.